The following is an entry in ClinVar:

ClinVar aggregate classification (germline): Pathogenic. Review status: criteria provided, single submitter (1 of 4 stars). 3 submissions from 3 submitters: Pathogenic (1). 2 of the submissions do not count toward it. Last evaluated 2025-11-13.

Conditions:
3M syndrome 2. Also called: 3-M Syndrome, OBSL1-Related; THREE M SYNDROME 2. Identifiers: Orphanet 2616, MedGen C2752041, MONDO:0013039, OMIM 612921.
3M syndrome 1. Also called: 3-M Syndrome, CUL7-Related. Identifiers: Orphanet 2616, MedGen C2678312, MONDO:0010117, OMIM 273750.

Submissions (3):

3billion
Classification: Pathogenic for 3M syndrome 2. Last evaluated: 2025-11-13. Review status: criteria provided, single submitter. Criteria: ACMG Guidelines, 2015. Collection method: clinical testing. Allele origin: germline. Affected: yes.
Comment: The variant is not observed in the gnomAD v4.1.0 dataset. Predicted Consequence/Location: Stop-gained (nonsense): predicted to result in a loss or disruption of normal protein function through nonsense-mediated decay (NMD) or protein truncation. Multiple pathogenic variants are reported downstream of the variant. The variant has been reported to be associated with OBSL1-related disorder (ClinVar ID: VCV000599223 /PMID: 30980518). Therefore, this variant is classified as Pathogenic according to the recommendation of ACMG/AMP guideline.

Hacettepe Genetic Diseases Diagnosis Center, Hacettepe University Faculty of Medicine
Classification: Likely pathogenic for 3M syndrome 1. Last evaluated: 2015-01-04. Review status: no assertion criteria provided. Collection method: clinical testing. Allele origin: germline. Inheritance: Autosomal recessive inheritance. Affected: yes. Observed: 1 homozygote. Not counted in ClinVar's aggregate classification.
Comment: The c.1125dupT (p.Glu376Ter) variant meets our criteria to be classified as likely pathogenic.

Pediatric Endocrinology, Ankara Etlik City Hospital
Classification: Pathogenic for 3M syndrome 2. Review status: no assertion criteria provided. Collection method: clinical testing. Allele origin: germline. Inheritance: Autosomal recessive inheritance. Affected: yes. Observed: 1 compound heterozygote, 1 homozygote. Not counted in ClinVar's aggregate classification.
Comment: This null variant (nonsense) is predicted to cause nonsense mediated decay and loss-of-function variants in OBSL1 are known to be pathogenic. Allele frequency is extremely low and it was not found in gnomAD genomes. The identified variant has been reported to be associated with 3M syndrome previously. Furthermore, this variant is classified as pathogenic based on ACMG variant classification guidelines.

Literature cited by the submitters: PubMed 30980518 (cited by 3billion and Hacettepe Genetic Diseases Diagnosis Center, Hacettepe University Faculty of Medicine).

NM_015311.3(OBSL1):c.1125dup (p.Glu376Ter)

Gene: OBSL1 (obscurin like cytoskeletal adaptor 1; minus strand). Cytogenetic location: 2q35.
Variant type: Duplication.
Coding change: c.1125dup on transcript NM_015311.3 (MANE Select); coding-DNA position 1125, one base duplicated (T; older notation c.1125dupT).
Protein change: p.Glu376Ter; replaces glutamic acid 376 with a stop codon.
Molecular consequence: nonsense.
Genome position (GRCh38, 1-based): chr2:219,568,212, A duplicated on the plus strand (T on the coding strand, the reverse complement: OBSL1 is on the minus strand). VCF-style (leftmost placement, unchanged base first): chr2-219568211-C-CA. GRCh37 (hg19) VCF-style: chr2-220432933-C-CA.
Other names: c.1125dup, p.Glu376Ter (NM_001173408.2, NM_001173431.2); c.1125dupT (NM_015311.2); short protein forms E376*.
Identifiers: ClinVar variation 599223 (VCV000599223.4), dbSNP rs1559155954, ClinGen allele CA913189872.